The following is an entry in ClinVar:

NM_024675.4(PALB2):c.1906G>C (p.Glu636Gln)

Gene: PALB2 (partner and localizer of BRCA2; minus strand). Cytogenetic location: 16p12.2.
Variant type: single nucleotide variant.
Coding change: c.1906G>C on transcript NM_024675.4 (MANE Select); coding-DNA position 1906, G replaced by C.
Protein change: p.Glu636Gln; replaces glutamic acid 636 with glutamine.
Molecular consequence: missense variant. On other transcripts: intron variant (1).
Genome position (GRCh38, 1-based): chr16:23,630,248, C>G on the plus strand (G>C on the coding strand, the complement: PALB2 is on the minus strand). VCF-style: chr16-23630248-C-G. GRCh37 (hg19) VCF-style: chr16-23641569-C-G.
Other names: c.1846G>C, p.Glu616Gln (NM_001407296.1); c.1906G>C, p.Glu636Gln (NM_001407297.1, NM_001407298.1, NM_001407299.1 and 3 more transcripts); c.1021G>C, p.Glu341Gln (NM_001407304.1, NM_001407305.1, NM_001407306.1 and 5 more transcripts); c.118G>C, p.Glu40Gln (NM_001407312.1, NM_001407313.1); c.49-973G>C (NM_001407314.1); short protein forms E341Q, E40Q, E616Q, E636Q.
Identifiers: ClinVar variation 3227999 (VCV003227999.1), dbSNP rs2142386346, ClinGen allele CA395127562.
Genomic context (GRCh38, chr16:23,630,248, plus strand): 5'-GAAAAATACAGCTTCCCTCTTTAAGATGTCTCTCTCCAAACATTTTTGACTCAAAGGGCT[C>G]CACTGGTTTTTCTGAGCAGGACTTCACTTTTTCAAGCTTAAGAGGTCCAAAGTCTTCATC-3'
Protein context (NP_078951.2, residues 626-646): KVKSCSEKPV[Glu636Gln]PFESKMFGER

ClinVar aggregate classification (germline): Uncertain significance (1 of 4 stars; one submission).

Conditions:
Hereditary cancer-predisposing syndrome. Also called: Neoplastic Syndromes, Hereditary; Tumor predisposition; Hereditary neoplastic syndrome; Hereditary Cancer Syndrome. Identifiers: Orphanet 140162, MedGen C0027672, MeSH D009386, MONDO:0015356.

Submission:

Ambry Genetics
Classification: Uncertain significance for Hereditary cancer-predisposing syndrome. Last evaluated: 2023-10-10. Review status: criteria provided, single submitter. Criteria: Ambry Variant Classification Scheme 2023. Collection method: clinical testing. Allele origin: germline.
Comment: The p.E636Q variant (also known as c.1906G>C), located in coding exon 5 of the PALB2 gene, results from a G to C substitution at nucleotide position 1906. The glutamic acid at codon 636 is replaced by glutamine, an amino acid with highly similar properties. This amino acid position is well conserved in available vertebrate species. In addition, this alteration is predicted to be tolerated by in silico analysis. Since supporting evidence is limited at this time, the clinical significance of this alteration remains unclear.